The following is an entry in ClinVar:

NM_004656.4(BAP1):c.1961T>G (p.Val654Gly)

Gene: BAP1 (BRCA1 associated deubiquitinase 1; minus strand). Cytogenetic location: 3p21.1.
Variant type: single nucleotide variant.
Coding change: c.1961T>G on transcript NM_004656.4 (MANE Select); coding-DNA position 1961, T replaced by G.
Protein change: p.Val654Gly; replaces valine 654 with glycine.
Molecular consequence: missense variant.
Genome position (GRCh38, 1-based): chr3:52,402,801, A>C on the plus strand (T>G on the coding strand, the complement: BAP1 is on the minus strand). VCF-style: chr3-52402801-A-C. GRCh37 (hg19) VCF-style: chr3-52436817-A-C.
Other names: c.1907T>G, p.Val636Gly (NM_001410772.1); short protein forms V636G, V654G.
Identifiers: ClinVar variation 1783451 (VCV001783451.2), dbSNP rs2153226297, ClinGen allele CA353096554.
Genomic context (GRCh38, chr3:52,402,801, plus strand): 5'-GGGAGAGGCCAGATCAGGCAACTGGAGAAATCACCCACCTTGAACTTCTTCCTCTTCTCT[A>C]CCTCCTCCTTGAGGCACGCCTCATAGTTTGCAATCTCAGCCTCCACACACTTCAGCAGTG-3'
Protein context (NP_004647.1, residues 644-664): ANYEACLKEE[Val654Gly]EKRKKFKIDD

ClinVar aggregate classification (germline): Uncertain significance (1 of 4 stars; one submission).

Conditions:
Hereditary cancer-predisposing syndrome. Also called: Neoplastic Syndromes, Hereditary; Tumor predisposition; Hereditary Cancer Syndrome; Hereditary neoplastic syndrome. Identifiers: Orphanet 140162, MedGen C0027672, MeSH D009386, MONDO:0015356.

Submission:

Ambry Genetics
Classification: Uncertain significance for Hereditary cancer-predisposing syndrome. Last evaluated: 2022-05-02. Review status: criteria provided, single submitter. Criteria: Ambry Variant Classification Scheme 2023. Collection method: clinical testing. Allele origin: germline.
Comment: The p.V654G variant (also known as c.1961T>G), located in coding exon 15 of the BAP1 gene, results from a T to G substitution at nucleotide position 1961. The valine at codon 654 is replaced by glycine, an amino acid with dissimilar properties. This amino acid position is conserved. In addition, this alteration is predicted to be tolerated by in silico analysis. Since supporting evidence is limited at this time, the clinical significance of this alteration remains unclear.